The following is an entry in ClinVar:

NM_000310.4(PPT1):c.657G>C (p.Leu219=)

Gene: PPT1 (palmitoyl-protein thioesterase 1; minus strand). Cytogenetic location: 1p34.2.
Variant type: single nucleotide variant.
Coding change: c.657G>C on transcript NM_000310.4 (MANE Select); coding-DNA position 657, G replaced by C.
Protein change: p.Leu219=; no amino-acid change (leucine 219 retained).
Molecular consequence: synonymous variant.
Genome position (GRCh38, 1-based): chr1:40,078,629, C>G on the plus strand (G>C on the coding strand, the complement: PPT1 is on the minus strand). VCF-style: chr1-40078629-C-G. GRCh37 (hg19) VCF-style: chr1-40544301-C-G.
Other names: c.348G>C, p.Leu116= (NM_001142604.2); c.657G>C, p.Leu219= (NM_001363695.2).
Identifiers: ClinVar variation 700008 (VCV000700008.22), dbSNP rs773591614, ClinGen allele CA789591.

ClinVar aggregate classification (germline): Likely benign. Review status: criteria provided, multiple submitters, no conflicts (2 of 4 stars). 4 submissions from 4 submitters: Likely benign (4). Last evaluated 2026-01-13.

Conditions:
Neuronal ceroid lipofuscinosis 1 (CLN1). Also called: PPT1-Related Neuronal Ceroid-Lipofuscinosis; CEROID LIPOFUSCINOSIS, NEURONAL, 1, VARIABLE AGE AT ONSET. Identifiers: Orphanet 228329, MedGen C1850451, MONDO:0009744, OMIM 256730.

Allele frequency attached by ClinVar (database versions not stated): ExAC 0.00003; TOPMed 0.00003; gnomAD exomes 0.00008 and 0.00010; gnomAD 0.00011.
gnomAD v4.1: 162 of 1,613,782 alleles (0.01%); highest among the groups gnomAD compares: Non-Finnish European, 0.01%; no homozygotes.

Submissions (4):

Labcorp Genetics (formerly Invitae), Labcorp
Classification: Likely benign for Neuronal ceroid lipofuscinosis 1. Last evaluated: 2026-01-13. Review status: criteria provided, single submitter. Criteria: Invitae Variant Classification Sherloc (09022015). Collection method: clinical testing. Allele origin: germline.

CeGaT Center for Human Genetics Tuebingen
Classification: Likely benign. Last evaluated: 2025-08-01. Review status: criteria provided, single submitter. Criteria: CeGaT Center For Human Genetics Tuebingen Variant Classification Criteria Version 2. Collection method: clinical testing. Allele origin: germline. Affected: yes. Observed: 1 variant allele.
Comment: PPT1: BP4, BP7

Blueprint Genetics
Classification: Likely benign. Last evaluated: 2024-02-26. Review status: criteria provided, single submitter. Criteria: ACMG Guidelines, 2015. Collection method: clinical testing. Allele origin: germline.

GeneDx
Classification: Likely benign. Last evaluated: 2020-06-03. Review status: criteria provided, single submitter. Criteria: GeneDx Variant Classification Process June 2021. Collection method: clinical testing. Allele origin: germline. Affected: yes.